The following is an entry in ClinVar:

NM_001367624.2(ZNF469):c.2953G>A (p.Gly985Ser)

Gene: ZNF469 (zinc finger protein 469; plus strand). Cytogenetic location: 16q24.2.
Variant type: single nucleotide variant.
Coding change: c.2953G>A on transcript NM_001367624.2 (MANE Select); coding-DNA position 2953, G replaced by A.
Protein change: p.Gly985Ser; replaces glycine 985 with serine.
Molecular consequence: missense variant.
Genome position (GRCh38, 1-based): chr16:88,430,423, G>A. VCF-style: chr16-88430423-G-A. GRCh37 (hg19) VCF-style: chr16-88496831-G-A.
Other names: NM_001127464.2:c.2953G>A; short protein forms G985S.
Identifiers: ClinVar variation 320900 (VCV000320900.43), dbSNP rs886052399, ClinGen allele CA10649165.

ClinVar aggregate classification (germline): Conflicting classifications of pathogenicity. Review status: criteria provided, conflicting classifications (1 of 4 stars). 3 submissions from 3 submitters: Uncertain significance (2); Likely benign (1). Last evaluated 2025-12-11.

Conditions:
ZNF469-related disorder. Also called: ZNF469-related condition.
Cardiovascular phenotype. Identifiers: MedGen CN230736.

Allele frequency attached by ClinVar (database versions not stated): gnomAD 0.00001; gnomAD exomes 0.00002; TOPMed below 0.00001.
gnomAD v4.1: 24 of 1,518,822 alleles (0.0016%); highest among the groups gnomAD compares: Admixed American, 0.006%; no homozygotes.

Submissions (3):

PreventionGenetics, part of Exact Sciences
Classification: Uncertain significance for ZNF469-related condition. Last evaluated: 2025-12-11. Review status: criteria provided, single submitter. Criteria: ACMG Guidelines, 2015. Collection method: clinical testing. Allele origin: germline.
Comment: The ZNF469 c.2953G>A variant is predicted to result in the amino acid substitution p.Gly985Ser. To our knowledge, this variant has not been reported in the literature. This variant is reported in 0.013% of alleles in individuals of Latino descent in gnomAD. At this time, the clinical significance of this variant is uncertain due to the absence of conclusive functional and genetic evidence.

Ambry Genetics
Classification: Likely benign for Cardiovascular phenotype. Last evaluated: 2022-05-24. Review status: criteria provided, single submitter. Criteria: Ambry Variant Classification Scheme 2023. Collection method: clinical testing. Allele origin: germline.

CeGaT Center for Human Genetics Tuebingen
Classification: Uncertain significance. Last evaluated: 2021-09-01. Review status: criteria provided, single submitter. Criteria: CeGaT Center For Human Genetics Tuebingen Variant Classification Criteria Version 2. Collection method: clinical testing. Allele origin: germline. Affected: yes. Observed: 1 variant allele.